The following is an entry in ClinVar:

ClinVar aggregate classification (germline): Uncertain significance (1 of 4 stars; one submission).

Allele frequency attached by ClinVar (database versions not stated): TOPMed below 0.00001; gnomAD 0.00001; gnomAD exomes 0.00001.
gnomAD v4.1: 7 of 1,539,410 alleles (0.00045%); highest among the groups gnomAD compares: Admixed American, 0.012%; no homozygotes.

Submission:

Labcorp Genetics (formerly Invitae), Labcorp
Classification: Uncertain significance. Last evaluated: 2022-04-10. Review status: criteria provided, single submitter. Criteria: Invitae Variant Classification Sherloc (09022015). Collection method: clinical testing. Allele origin: germline.
Comment: This sequence change replaces proline, which is neutral and non-polar, with leucine, which is neutral and non-polar, at codon 56 of the C1QBP protein (p.Pro56Leu). In summary, the available evidence is currently insufficient to determine the role of this variant in disease. Therefore, it has been classified as a Variant of Uncertain Significance. Algorithms developed to predict the effect of missense changes on protein structure and function (SIFT, PolyPhen-2, Align-GVGD) all suggest that this variant is likely to be tolerated. This variant has not been reported in the literature in individuals affected with C1QBP-related conditions. This variant is present in population databases (no rsID available, gnomAD 0.02%).

NM_001212.4(C1QBP):c.167C>T (p.Pro56Leu)

Gene: C1QBP (complement C1q binding protein; minus strand). Cytogenetic location: 17p13.2.
Variant type: single nucleotide variant.
Coding change: c.167C>T on transcript NM_001212.4 (MANE Select); coding-DNA position 167, C replaced by T.
Protein change: p.Pro56Leu; replaces proline 56 with leucine.
Molecular consequence: missense variant.
Genome position (GRCh38, 1-based): chr17:5,438,907, G>A on the plus strand (C>T on the coding strand, the complement: C1QBP is on the minus strand). VCF-style: chr17-5438907-G-A. GRCh37 (hg19) VCF-style: chr17-5342227-G-A.
Other names: short protein forms P56L.
Identifiers: ClinVar variation 1937813 (VCV001937813.3), dbSNP rs1464051797, ClinGen allele CA397373939.